The following is an entry in ClinVar:

ClinVar aggregate classification (germline): Pathogenic/Likely pathogenic. Review status: criteria provided, multiple submitters, no conflicts (2 of 4 stars). 2 submissions from 2 submitters: Pathogenic (1); Likely pathogenic (1). Last evaluated 2024-01-18.

Conditions:
Familial cancer of breast. Also called: BREAST CANCER, FAMILIAL; Hereditary breast cancer; hereditary breast carcinoma. Identifiers: Orphanet 227535, MedGen C0346153, MONDO:0016419, OMIM 114480. Disease mechanism: loss of function.

Submissions (2):

Myriad Genetics, Inc.
Classification: Pathogenic for Familial cancer of breast. Last evaluated: 2024-01-18. Review status: criteria provided, single submitter. Criteria: Myriad Autosomal Dominant, Autosomal Recessive and X-Linked Classification Criteria (2023). Collection method: clinical testing. Allele origin: unknown.
Comment: This variant is considered pathogenic. This variant creates a termination codon and is predicted to result in premature protein truncation.

GeneDx
Classification: Likely pathogenic. Last evaluated: 2016-02-11. Review status: criteria provided, single submitter. Criteria: GeneDx Variant Classification (06012015). Collection method: clinical testing. Allele origin: germline. Affected: yes.
Comment: This variant is denoted ATM c.2662G>T at the cDNA level and p.Glu888Ter (E888X) at the protein level. The substitution creates a nonsense variant, which changes a Glutamic Acid to a premature stop codon (GAA>TAA) , and is predicted to cause loss of normal protein function through either protein truncation or nonsense-mediated mRNA decay. This variant has been identified in the compound heterozygous state in an individual with ataxia telangiectasia (Verhagen 2012) and is considered likely pathogenic.

NM_000051.4(ATM):c.2662G>T (p.Glu888Ter)

Gene: ATM (ATM serine/threonine kinase; plus strand). Cytogenetic location: 11q22.3.
Variant type: single nucleotide variant.
Coding change: c.2662G>T on transcript NM_000051.4 (MANE Select); coding-DNA position 2662, G replaced by T.
Protein change: p.Glu888Ter; replaces glutamic acid 888 with a stop codon.
Molecular consequence: nonsense.
Genome position (GRCh38, 1-based): chr11:108,268,433, G>T. VCF-style: chr11-108268433-G-T. GRCh37 (hg19) VCF-style: chr11-108139160-G-T.
Other names: c.2662G>T, p.Glu888Ter (NM_001351834.2); short protein forms E888*.
Identifiers: ClinVar variation 246078 (VCV000246078.3), dbSNP rs879254083, ClinGen allele CA10584333.